The following is an entry in ClinVar:

ClinVar aggregate classification (germline): VUS-high (1 of 4 stars; one submission).

Conditions:
Brain small vessel disease 1 with or without ocular anomalies (BSVD1). Also called: BRAIN SMALL VESSEL DISEASE WITH HEMORRHAGE; PORENCEPHALY, TYPE 1, AUTOSOMAL DOMINANT; GOULD SYNDROME 1; Brain small vessel disease with or without ocular anomalies. Identifiers: Orphanet 2940, Orphanet 36383, Orphanet 99810, MedGen C4755307, MONDO:0008289, OMIM 175780.
Autosomal dominant familial hematuria-retinal arteriolar tortuosity-contractures syndrome. Also called: Angiopathy, hereditary, with nephropathy, aneurysms, and muscle cramps; Hereditary Angiopathy with Nephropathy, Aneurysms, and Muscle Cramps (HANAC) Syndrome. Identifiers: Orphanet 73229, MedGen C2673195, MONDO:0012726, OMIM 611773.

Submission:

Department of Molecular Genetics, Istishari Arab Hospital
Classification: VUS-high for Brain small vessel disease 1 with or without ocular anomalies; Autosomal dominant familial hematuria-retinal arteriolar tortuosity-contractures syndrome. Last evaluated: 2026-10-15. Review status: criteria provided, single submitter. Criteria: ACMG Guidelines, 2015. Collection method: clinical testing. Allele origin: germline. Inheritance: Autosomal dominant inheritance. Affected: yes.
Comment: The COL4A1 variant c.2627G>T, p.Gly876Val results in an amino acid change from Gly to Val at position 876, changing the first nucleotide in exon 33 (of 52). Glycine substitutions within the collagen triple-helical region represent a well-established disease mechanism in COL4A1-related disorders. The variant is not observed in the gnomAD v4.1.0 dataset (total allele frequency: <0.00001) and, to the best of our knowledge, has not been reported in the literature. ClinVar lists a different amino acid change in the same codon (p.Gly876Arg) as a pathogenic variant (VCV001805313.1). It is classified as a variant of uncertain significance based on the implementation of the ACMG/AMP/ClinGen SVI guidelines.

NM_001845.6(COL4A1):c.2627G>T (p.Gly876Val)

Gene: COL4A1 (collagen type IV alpha 1 chain; minus strand). Cytogenetic location: 13q34.
Variant type: single nucleotide variant.
Coding change: c.2627G>T on transcript NM_001845.6 (MANE Select); coding-DNA position 2627, G replaced by T.
Protein change: p.Gly876Val; replaces glycine 876 with valine.
Molecular consequence: missense variant.
Genome position (GRCh38, 1-based): chr13:110,177,931, C>A on the plus strand (G>T on the coding strand, the complement: COL4A1 is on the minus strand). VCF-style: chr13-110177931-C-A. GRCh37 (hg19) VCF-style: chr13-110830278-C-A.
Other names: p.Gly876Val; short protein forms G876V.
Identifiers: ClinVar variation 5020110 (VCV005020110.1).